The following is an entry in ClinVar:

ClinVar aggregate classification (germline): Benign. Review status: criteria provided, multiple submitters, no conflicts (2 of 4 stars). 5 submissions from 5 submitters: Benign (5). Last evaluated 2021-06-10.

Conditions:
Megalencephalic leukoencephalopathy with subcortical cysts 1 (MLC1). Also called: VACUOLATING MEGALENCEPHALIC LEUKOENCEPHALOPATHY WITH SUBCORTICAL CYSTS; LEUKOENCEPHALOPATHY WITH SWELLING AND CYSTS. Identifiers: Orphanet 2478, MedGen C5779875, MONDO:0024555, OMIM 604004.

Allele frequency attached by ClinVar (database versions not stated): gnomAD exomes 0.14364 and 0.13225; TOPMed 0.15469; ExAC 0.14596; gnomAD 0.14783 and 0.14823; 1000 Genomes Project 0.15036; 1000 Genomes Project 30x 0.15459; ESP Exome Variant Server 0.14803.
gnomAD v4.1: 212,104 of 1,582,736 alleles (13%); highest among the groups gnomAD compares: East Asian, 20%; 14,708 homozygotes.

Submissions (5):

Genome-Nilou Lab
Classification: Benign for Megalencephalic leukoencephalopathy with subcortical cysts 1. Last evaluated: 2021-06-10. Review status: criteria provided, single submitter. Criteria: ACMG Guidelines, 2015. Collection method: clinical testing. Allele origin: germline. Affected: no.

GeneDx
Classification: Benign. Last evaluated: 2021-05-13. Review status: criteria provided, single submitter. Criteria: GeneDx Variant Classification Process June 2021. Collection method: clinical testing. Allele origin: germline. Affected: yes.

Illumina Laboratory Services, Illumina
Classification: Benign for Megalencephalic leukoencephalopathy with subcortical cysts 1. Last evaluated: 2018-01-13. Review status: criteria provided, single submitter. Criteria: ICSL Variant Classification Criteria 13 December 2019. Collection method: clinical testing. Allele origin: germline.
Comment: This variant was observed in the ICSL laboratory as part of a predisposition screen in an ostensibly healthy population. It had not been previously curated by ICSL or reported in the Human Gene Mutation Database (HGMD: prior to June 1st, 2018), and was therefore a candidate for classification through an automated scoring system. Utilizing variant allele frequency, disease prevalence and penetrance estimates, and inheritance mode, an automated score was calculated to assess if this variant is too frequent to cause the disease. Based on the score and internal cut-off values, a variant classified as benign is not then subjected to further curation. The score for this variant resulted in a classification of benign for this disease.

Breakthrough Genomics
Classification: Benign. Review status: criteria provided, single submitter. Criteria: ACMG Guidelines, 2015. Collection method: not provided. Allele origin: germline. Inheritance: Autosomal recessive inheritance. Affected: yes.

PreventionGenetics, part of Exact Sciences
Classification: Benign. Review status: criteria provided, single submitter. Criteria: ACMG Guidelines, 2015. Collection method: clinical testing. Allele origin: germline.

NM_015166.4(MLC1):c.*45A>G

Gene: MLC1 (modulator of VRAC current 1; minus strand). Cytogenetic location: 22q13.33.
Variant type: single nucleotide variant.
Coding change: c.*45A>G on transcript NM_015166.4 (MANE Select); 45 bases downstream of the stop codon, A replaced by G.
Molecular consequence: 3 prime UTR variant. On other transcripts: non-coding transcript variant (3).
Genome position (GRCh38, 1-based): chr22:50,061,538, T>C on the plus strand (A>G on the coding strand, the complement: MLC1 is on the minus strand). VCF-style: chr22-50061538-T-C. GRCh37 (hg19) VCF-style: chr22-50499967-T-C.
Other names: c.*45A>G (NM_001376472.1, NM_001376473.1, NM_001376474.1 and 11 more transcripts).
Identifiers: ClinVar variation 260572 (VCV000260572.12), dbSNP rs2072873, ClinGen allele CA10303179.
Genomic context (GRCh38, chr22:50,061,538, plus strand): 5'-AGGGAAAAGAGGTGTTAGAAGCAGTAGCTCAGGGCGATTAGGGGTTGTGCGTTTCCATGC[T>C]TGGGGCCAGGCTGGGCGCTGCCACCCGGTTTCCGCGTCTGGGGGTCACTGGGCCATTTGC-3'